The following is an entry in ClinVar:

NM_005045.4(RELN):c.5886T>A (p.Asp1962Glu)

Gene: RELN (reelin; minus strand). Cytogenetic location: 7q22.1.
Variant type: single nucleotide variant.
Coding change: c.5886T>A on transcript NM_005045.4 (MANE Select); coding-DNA position 5886, T replaced by A.
Protein change: p.Asp1962Glu; replaces aspartic acid 1962 with glutamic acid.
Molecular consequence: missense variant.
Genome position (GRCh38, 1-based): chr7:103,553,743, A>T on the plus strand (T>A on the coding strand, the complement: RELN is on the minus strand). VCF-style: chr7-103553743-A-T. GRCh37 (hg19) VCF-style: chr7-103194190-A-T.
Other names: c.5886T>A, p.Asp1962Glu (NM_173054.3); short protein forms D1962E.
Identifiers: ClinVar variation 1511376 (VCV001511376.6), dbSNP rs2117159839, ClinGen allele CA368739762.
Genomic context (GRCh38, chr7:103,553,743, plus strand): 5'-ACAATAAAGACCGATGTTACCACCAGGATAGAAAAACCAATTGTCTTCTCTGGGCCCAAA[A>T]TCAAATGTATCCAAGAGCATCACAGGGTTGTTTACATTATTTCCATCGATAATGAAGTCA-3'
Protein context (NP_005036.2, residues 1952-1972): NNPVMLLDTF[Asp1962Glu]FGPREDNWFF

ClinVar aggregate classification (germline): Uncertain significance (1 of 4 stars; one submission).

Conditions:
Norman-Roberts syndrome (LIS2). Also called: Lissencephaly 2 (Norman-Roberts type). Identifiers: Orphanet 89844, MedGen C0796089, MONDO:0009760, OMIM 257320.
Familial temporal lobe epilepsy 7. Identifiers: Orphanet 101046, MedGen C4225327, MONDO:0014639, OMIM 616436.

Submission:

Labcorp Genetics (formerly Invitae), Labcorp
Classification: Uncertain significance for Familial temporal lobe epilepsy 7; Norman-Roberts syndrome. Last evaluated: 2021-08-09. Review status: criteria provided, single submitter. Criteria: Invitae Variant Classification Sherloc (09022015). Collection method: clinical testing. Allele origin: germline.
Comment: This sequence change replaces aspartic acid with glutamic acid at codon 1962 of the RELN protein (p.Asp1962Glu). The aspartic acid residue is highly conserved and there is a small physicochemical difference between aspartic acid and glutamic acid. This variant is not present in population databases (ExAC no frequency). This variant has not been reported in the literature in individuals affected with RELN-related conditions. Algorithms developed to predict the effect of missense changes on protein structure and function are either unavailable or do not agree on the potential impact of this missense change (SIFT: "Deleterious"; PolyPhen-2: "Possibly Damaging"; Align-GVGD: "Class C0"). In summary, the available evidence is currently insufficient to determine the role of this variant in disease. Therefore, it has been classified as a Variant of Uncertain Significance.